The following is an entry in ClinVar:

ClinVar aggregate classification (germline): Uncertain significance (1 of 4 stars; one submission).

Conditions:
Aicardi-Goutieres syndrome 3. Identifiers: Orphanet 51, MedGen C1835916, MONDO:0012471, OMIM 610329.

Allele frequency attached by ClinVar (database versions not stated): gnomAD exomes 0.00001.
gnomAD v4.1: 8 of 1,597,208 alleles (0.0005%); highest among the groups gnomAD compares: Non-Finnish European, 0.00068%; no homozygotes.

Submission:

Labcorp Genetics (formerly Invitae), Labcorp
Classification: Uncertain significance for Aicardi-Goutieres syndrome 3. Last evaluated: 2021-08-26. Review status: criteria provided, single submitter. Criteria: Invitae Variant Classification Sherloc (09022015). Collection method: clinical testing. Allele origin: germline.
Comment: This sequence change replaces arginine with glycine at codon 11 of the RNASEH2C protein (p.Arg11Gly). The arginine residue is weakly conserved and there is a moderate physicochemical difference between arginine and glycine. This variant is not present in population databases (ExAC no frequency). This variant has not been reported in the literature in individuals affected with RNASEH2C-related conditions. Algorithms developed to predict the effect of missense changes on protein structure and function (SIFT, PolyPhen-2, Align-GVGD) all suggest that this variant is likely to be tolerated. In summary, the available evidence is currently insufficient to determine the role of this variant in disease. Therefore, it has been classified as a Variant of Uncertain Significance.

NM_032193.4(RNASEH2C):c.31A>G (p.Arg11Gly)

Gene: RNASEH2C (ribonuclease H2 subunit C; minus strand). Cytogenetic location: 11q13.1.
Variant type: single nucleotide variant.
Coding change: c.31A>G on transcript NM_032193.4 (MANE Select); coding-DNA position 31, A replaced by G.
Protein change: p.Arg11Gly; replaces arginine 11 with glycine.
Molecular consequence: missense variant.
Genome position (GRCh38, 1-based): chr11:65,720,728, T>C on the plus strand (A>G on the coding strand, the complement: RNASEH2C is on the minus strand). VCF-style: chr11-65720728-T-C. GRCh37 (hg19) VCF-style: chr11-65488199-T-C.
Other names: short protein forms R11G.
Identifiers: ClinVar variation 848598 (VCV000848598.7), dbSNP rs1857363170, ClinGen allele CA381299676.
Genomic context (GRCh38, chr11:65,720,728, plus strand): 5'-GATGCAGTGTGGCGGGTACGGCGTCGCGCAATGTGGCGGAGCGCAAGTGGACGCGGTGCC[T>C]CTCGATGGCCGCTTCGTCGCCGCTCTCCATCCTCCCTCCTACGCGACGCCAGGGCTCGCG-3'
Protein context (NP_115569.2, residues 1-21): MESGDEAAIE[Arg11Gly]HRVHLRSATL